The following is an entry in ClinVar:

ClinVar aggregate classification (germline): Uncertain significance (1 of 4 stars; one submission).

Submission:

Labcorp Genetics (formerly Invitae), Labcorp
Classification: Uncertain significance. Last evaluated: 2026-01-24. Review status: criteria provided, single submitter. Criteria: Invitae Variant Classification Sherloc (09022015). Collection method: clinical testing. Allele origin: germline.
Comment: This sequence change replaces alanine, which is neutral and non-polar, with valine, which is neutral and non-polar, at codon 1619 of the FLNB protein (p.Ala1619Val). This variant is not present in population databases (gnomAD no frequency). This variant has not been reported in the literature in individuals affected with FLNB-related conditions. Invitae Evidence Modeling of protein sequence and biophysical properties (such as structural, functional, and spatial information, amino acid conservation, physicochemical variation, residue mobility, and thermodynamic stability) indicates that this missense variant is not expected to disrupt FLNB protein function with a negative predictive value of 95%. In summary, the available evidence is currently insufficient to determine the role of this variant in disease. Therefore, it has been classified as a Variant of Uncertain Significance.

NM_001457.4(FLNB):c.4856C>T (p.Ala1619Val)

Gene: FLNB (filamin B; plus strand). Cytogenetic location: 3p14.3.
Variant type: single nucleotide variant.
Coding change: c.4856C>T on transcript NM_001457.4 (MANE Select); coding-DNA position 4856, C replaced by T.
Protein change: p.Ala1619Val; replaces alanine 1619 with valine.
Molecular consequence: missense variant.
Genome position (GRCh38, 1-based): chr3:58,136,163, C>T. VCF-style: chr3-58136163-C-T. GRCh37 (hg19) VCF-style: chr3-58121890-C-T.
Other names: c.4949C>T, p.Ala1650Val (NM_001164317.2); c.4856C>T, p.Ala1619Val (NM_001164318.2, NM_001164319.2); short protein forms A1619V, A1650V.
Identifiers: ClinVar variation 4801716 (VCV004801716.1).